The following is an entry in ClinVar:

NM_002900.3(RBP3):c.2423A>G (p.His808Arg)

Gene: RBP3 (retinol binding protein 3; plus strand). Cytogenetic location: 10q11.22.
Variant type: single nucleotide variant.
Coding change: c.2423A>G on transcript NM_002900.3 (MANE Select); coding-DNA position 2423, A replaced by G.
Protein change: p.His808Arg; replaces histidine 808 with arginine.
Molecular consequence: missense variant.
Genome position (GRCh38, 1-based): chr10:47,350,907, A>G. VCF-style: chr10-47350907-A-G. GRCh37 (hg19) VCF-style: chr10-48388455-T-C.
Other names: short protein forms H808R.
Identifiers: ClinVar variation 2119056 (VCV002119056.1), dbSNP rs1555211467, ClinGen allele CA376673138.

ClinVar aggregate classification (germline): Uncertain significance (1 of 4 stars; one submission).

Submission:

Labcorp Genetics (formerly Invitae), Labcorp
Classification: Uncertain significance. Last evaluated: 2022-03-28. Review status: criteria provided, single submitter. Criteria: Invitae Variant Classification Sherloc (09022015). Collection method: clinical testing. Allele origin: germline.
Comment: This sequence change replaces histidine, which is basic and polar, with arginine, which is basic and polar, at codon 808 of the RBP3 protein (p.His808Arg). This variant is not present in population databases (gnomAD no frequency). This variant has not been reported in the literature in individuals affected with RBP3-related conditions. Algorithms developed to predict the effect of missense changes on protein structure and function are either unavailable or do not agree on the potential impact of this missense change (SIFT: "Deleterious"; PolyPhen-2: "Possibly Damaging"; Align-GVGD: "Class C0"). In summary, the available evidence is currently insufficient to determine the role of this variant in disease. Therefore, it has been classified as a Variant of Uncertain Significance.